The following is an entry in ClinVar:

NM_006079.5(CITED2):c.523_546dup (p.Ser182_Ser183insThrProGlyGlySerGlySerSer)

Genes: CITED2 (Cbp/p300 interacting transactivator with ED-rich tail 2; minus strand), LOC129997307 (ATAC-STARR-seq lymphoblastoid silent region 17609; plus strand). Cytogenetic location: 6q24.1.
Variant type: Duplication.
Coding change: c.523_546dup on transcript NM_006079.5 (MANE Select); coding-DNA positions 523 to 546, 24 bases duplicated (ACCCCCGGCGGCTCTGGCAGCAGC).
Protein change: p.Ser182_Ser183insThrProGlyGlySerGlySerSer.
Molecular consequence: inframe insertion.
Genome position (GRCh38, 1-based): chr6:139,373,399-139,373,422, GCTGCTGCCAGAGCCGCCGGGGGT duplicated on the plus strand (ACCCCCGGCGGCTCTGGCAGCAGC on the coding strand, the reverse complement: CITED2 is on the minus strand); duplicating any 24 consecutive bases within chr6:139,373,399-139,373,431 gives the same sequence; the c. name uses the placement nearest the transcript's 3' end. VCF-style (leftmost placement, unchanged base first): chr6-139373398-A-AGCTGCTGCCAGAGCCGCCGGGGGT. GRCh37 (hg19) VCF-style: chr6-139694535-A-AGCTGCTGCCAGAGCCGCCGGGGGT.
Other names: c.523_546dup, p.Ser182_Ser183insThrProGlyGlySerGlySerSer (NM_001168388.3); c.538_561dup, p.Ser187_Ser188insThrProGlyGlySerGlySerSer (NM_001168389.3).
Identifiers: ClinVar variation 5017290 (VCV005017290.1).

ClinVar aggregate classification (germline): Uncertain significance (1 of 4 stars; one submission).

Submission:

GeneDx
Classification: Uncertain significance. Last evaluated: 2026-03-30. Review status: criteria provided, single submitter. Criteria: GeneDx Variant Classification Process June 2021. Collection method: clinical testing. Allele origin: germline.
Comment: In-frame duplication of 8 amino acids in a non-repeat region; Has not been previously published as pathogenic or benign to our knowledge